The following is an entry in ClinVar:

NM_182931.3(KMT2E):c.1010A>T (p.Gln337Leu)

Gene: KMT2E (lysine methyltransferase 2E (inactive); plus strand). Cytogenetic location: 7q22.3.
Variant type: single nucleotide variant.
Coding change: c.1010A>T on transcript NM_182931.3 (MANE Select); coding-DNA position 1010, A replaced by T.
Protein change: p.Gln337Leu; replaces glutamine 337 with leucine.
Molecular consequence: missense variant.
Genome position (GRCh38, 1-based): chr7:105,077,313, A>T. VCF-style: chr7-105077313-A-T. GRCh37 (hg19) VCF-style: chr7-104717760-A-T.
Other names: c.1010A>T, p.Gln337Leu (NM_001410908.1, NM_018682.4); short protein forms Q337L.
Identifiers: ClinVar variation 3372893 (VCV003372893.1).

ClinVar aggregate classification (germline): Uncertain significance (1 of 4 stars; one submission).

Submission:

GeneDx
Classification: Uncertain significance. Last evaluated: 2024-04-22. Review status: criteria provided, single submitter. Criteria: GeneDx Variant Classification Process June 2021. Collection method: clinical testing. Allele origin: germline. Affected: yes.
Comment: Not observed at significant frequency in large population cohorts (gnomAD); In silico analysis supports that this missense variant has a deleterious effect on protein structure/function; Has not been previously published as pathogenic or benign to our knowledge